The following is an entry in ClinVar:

NM_000059.4(BRCA2):c.8686C>T (p.Arg2896Cys)

Gene: BRCA2 (BRCA2 DNA repair associated; plus strand). Cytogenetic location: 13q13.1.
Variant type: single nucleotide variant.
Coding change: c.8686C>T on transcript NM_000059.4 (MANE Select); coding-DNA position 8686, C replaced by T.
Protein change: p.Arg2896Cys; replaces arginine 2896 with cysteine.
Molecular consequence: missense variant.
Genome position (GRCh38, 1-based): chr13:32,376,723, C>T. VCF-style: chr13-32376723-C-T. GRCh37 (hg19) VCF-style: chr13-32950860-C-T.
Other names: short protein forms R2896C.
Identifiers: ClinVar variation 231378 (VCV000231378.44), dbSNP rs373203204, ClinGen allele CA6941285.

ClinVar aggregate classification (germline): Conflicting classifications of pathogenicity. Review status: criteria provided, conflicting classifications (1 of 4 stars). 15 submissions from 15 submitters: Uncertain significance (10); Likely benign (3). 2 of the submissions do not count toward it. Last evaluated 2026-01-27.

Conditions:
Hereditary cancer-predisposing syndrome. Also called: Hereditary Cancer Syndrome; Neoplastic Syndromes, Hereditary; Tumor predisposition; Hereditary neoplastic syndrome. Identifiers: Orphanet 140162, MedGen C0027672, MeSH D009386, MONDO:0015356.
Breast and/or ovarian cancer. Identifiers: MedGen CN221562.
Breast-ovarian cancer, familial, susceptibility to, 2 (BROVCA2). Also called: BRCA2 Hereditary Breast and Ovarian Cancer. Identifiers: Orphanet 145, MedGen C2675520, MONDO:0012933, OMIM 612555. Disease mechanism: loss of function.
Hereditary breast ovarian cancer syndrome. Also called: Hereditary breast and/or ovarian cancer syndrome; BRCA1- and BRCA2-Associated Hereditary Breast and Ovarian Cancer; Hereditary breast and ovarian cancer syndrome (HBOC); Hereditary breast and ovarian cancer; Hereditary breast and ovarian cancer syndrome; Breast and ovarian cancer. Identifiers: Orphanet 145, MedGen C0677776, MeSH D061325, MONDO:0003582. Disease mechanism: loss of function.
Familial cancer of breast. Also called: Hereditary breast cancer; hereditary breast carcinoma; BREAST CANCER, FAMILIAL. Identifiers: Orphanet 227535, MedGen C0346153, MONDO:0016419, OMIM 114480. Disease mechanism: loss of function.

Allele frequency attached by ClinVar (database versions not stated): gnomAD 0.00001 and 0.00004; TOPMed 0.00001; gnomAD exomes 0.00002; ExAC 0.00005; ESP Exome Variant Server 0.00008; 1000 Genomes Project 0.00020; 1000 Genomes Project 30x 0.00031.
gnomAD v4.1: 28 of 1,614,092 alleles (0.0017%); highest among the groups gnomAD compares: South Asian, 0.02%; no homozygotes.

Submissions 1 to 11 of 15:

Labcorp Genetics (formerly Invitae), Labcorp
Classification: Uncertain significance for Hereditary breast ovarian cancer syndrome. Last evaluated: 2026-01-27. Review status: criteria provided, single submitter. Criteria: Invitae Variant Classification Sherloc (09022015). Collection method: clinical testing. Allele origin: germline.
Comment: This sequence change replaces arginine, which is basic and polar, with cysteine, which is neutral and slightly polar, at codon 2896 of the BRCA2 protein (p.Arg2896Cys). This variant is present in population databases (rs373203204, gnomAD 0.02%). This missense change has been observed in individual(s) with breast and/or ovarian cancer (PMID: 35451682). ClinVar contains an entry for this variant (Variation ID: 231378). Invitae Evidence Modeling of protein sequence and biophysical properties (such as structural, functional, and spatial information, amino acid conservation, physicochemical variation, residue mobility, and thermodynamic stability) indicates that this missense variant is not expected to disrupt BRCA2 protein function with a negative predictive value of 95%. Experimental studies have shown that this missense change does not substantially affect BRCA2 function (PMID: 37922907). In summary, the available evidence is currently insufficient to determine the role of this variant in disease. Therefore, it has been classified as a Variant of Uncertain Significance.

Quest Diagnostics Nichols Institute San Juan Capistrano
Classification: Uncertain significance. Last evaluated: 2025-03-20. Review status: criteria provided, single submitter. Criteria: Quest Diagnostics criteria. Collection method: clinical testing. Allele origin: unknown.
Comment: The BRCA2 c.8686C>T (p.Arg2896Cys) variant has been reported in the published literature in individuals with breast cancer (PMID: 33471991 (2021), see also LOVD), in a cohort of prostate cancer patients (PMID: 36922933 (2022)), and in reportedly healthy individuals (PMID: 38566028 (2024), 38153744 (2023)). The variant was found to co-occur with other variants in an individual with cancer of the female genital tract (PMID: 27882345 (2016)). Assessment of experimental evidence regarding the effect of this variant on protein function is inconclusive (PMID: 37922907 (2023), PMID: 32444794 (2020)), PMID: 39779848 (2025)). The frequency of this variant in the general population (Genome Aggregation Database) is uninformative in the assessment of its pathogenicity. Analysis of this variant using bioinformatics tools for the prediction of the effect of amino acid changes on protein structure and function yielded predictions that this variant is benign. Based on the available information, we are unable to determine the clinical significance of this variant.

Color Diagnostics, LLC DBA Color Health
Classification: Likely benign for Hereditary cancer-predisposing syndrome. Last evaluated: 2025-01-22. Review status: criteria provided, single submitter. Criteria: ACMG Guidelines, 2015. Collection method: clinical testing. Allele origin: germline.

Women's Health and Genetics/Laboratory Corporation of America, LabCorp
Classification: Uncertain significance. Last evaluated: 2024-09-26. Review status: criteria provided, single submitter. Criteria: LabCorp Variant Classification Summary - May 2015. Collection method: clinical testing. Allele origin: germline.
Comment: Variant summary: BRCA2 c.8686C>T (p.Arg2896Cys) results in a non-conservative amino acid change located in the BRCA2, OB2 domain (IPR048262) of the encoded protein sequence. Four of five in-silico tools predict a benign effect of the variant on protein function. The variant allele was found at a frequency of 2e-05 in 251298 control chromosomes. The available data on variant occurrences in the general population are insufficient to allow any conclusion about variant significance. c.8686C>T has been reported in the literature in individuals affected with a personal or family history of Hereditary Breast And Ovarian Cancer Syndrome (e.g. Molina-Zayas_2022). These report(s) do not provide unequivocal conclusions about association of the variant with Hereditary Breast And Ovarian Cancer Syndrome. At least one publication reports experimental evidence evaluating an impact on protein function (Biswas_2023). These results showed no damaging effect of this variant using a mouse embryonic stem cell (mESC)-based assay. The following publications have been ascertained in the context of this evaluation (PMID: 37922907, 27930734, 35451682). ClinVar contains an entry for this variant (Variation ID: 231378). Based on the evidence outlined above, the variant was classified as uncertain significance.

Molecular Pathology, Peter Maccallum Cancer Centre
Classification: Likely benign for Breast-ovarian cancer, familial, susceptibility to, 2. Last evaluated: 2024-06-21. Review status: criteria provided, single submitter. Criteria: ACMG Guidelines, 2015. Collection method: clinical testing. Allele origin: germline. Inheritance: Autosomal dominant inheritance.

All of Us Research Program, National Institutes of Health
Classification: Uncertain significance for Breast-ovarian cancer, familial, susceptibility to, 2. Last evaluated: 2023-10-23. Review status: criteria provided, single submitter. Criteria: ACMG Guidelines, 2015. Collection method: clinical testing. Allele origin: germline. Inheritance: Autosomal dominant inheritance. Observed: 1 variant allele, 1 heterozygote.
Comment: This missense variant replaces arginine with cysteine at codon 2896 of the BRCA2 protein. Computational prediction suggests that this variant may not impact protein structure and function (internally defined REVEL score threshold <= 0.5, PMID: 27666373). Splice site prediction tools suggest that this variant may not impact RNA splicing. An experimental functional study has shown that cells with this variant are not sensitive to PARP inhibitors or carboplatin in a cell viability assay, indicating the variant impact is neutral (DOI: 10.1101/2020.01.17.911057). This variant has not been reported in individuals affected with hereditary cancer in the literature. This variant has been identified in 5/251298 chromosomes in the general population by the Genome Aggregation Database (gnomAD). The available evidence is insufficient to determine the role of this variant in disease conclusively. Therefore, this variant is classified as a Variant of Uncertain Significance.

This study involves interpretation of variants in research participants for the purpose of population health screening. Participant phenotype was not available at the time of variant classification. Additional details can be found in publication PMID: 35346344, PMCID: PMC8962531

Baylor Genetics
Classification: Uncertain significance for Familial cancer of breast. Last evaluated: 2023-09-21. Review status: criteria provided, single submitter. Criteria: ACMG Guidelines, 2015. Collection method: clinical testing. Allele origin: unknown.

KCCC/NGS Laboratory, Kuwait Cancer Control Center
Classification: Uncertain significance for Breast-ovarian cancer, familial, susceptibility to, 2. Last evaluated: 2023-06-06. Review status: criteria provided, single submitter. Criteria: ACMG Guidelines, 2015. Collection method: clinical testing. Allele origin: germline. Affected: yes.
Comment: A variant of uncertain significance was detected in this sample. This sequence change replaces arginine with cysteine an amino acid with highly dissimilar properties at codon 8686 of the BRCA2 protein (p.Arg2896Cys) also known as c.8686C>T, which located in coding exon 21 of the BRCA2 gene (NM_000059.3), results from a C to T substitution at nucleotide position 8686. This amino acid position is poorly conserved . This variant is not present in population databases (gnomAD ) nor in our local databases . This variant reported in ClinVar database (ID: 231378) . This alteration is predicted to be possibly damaging and deleterious by (M-CAP), otherwise most of Computational prediction suggests that this variant may not impact protein structure and function .This variant has not been reported in individuals affected with hereditary cancer in the literature. In summary, the available evidence is currently insufficient to determine the role of this variant in disease. Therefore, it has been classified as a Variant of Uncertain Significance.

Ambry Genetics
Classification: Likely benign for Hereditary cancer-predisposing syndrome. Last evaluated: 2022-01-11. Review status: criteria provided, single submitter. Criteria: Ambry Variant Classification Scheme 2023. Collection method: clinical testing. Allele origin: germline.

Mendelics
Classification: Uncertain significance for Hereditary breast and ovarian cancer syndrome. Last evaluated: 2018-07-02. Review status: criteria provided, single submitter. Criteria: Mendelics Assertion Criteria 2017. Collection method: clinical testing. Allele origin: unknown.

ARUP Laboratories, Molecular Genetics and Genomics, ARUP Laboratories
Classification: Uncertain significance. Last evaluated: 2016-09-13. Review status: criteria provided, single submitter. Criteria: ARUP Molecular Germline Variant Investigation Process. Collection method: clinical testing. Allele origin: germline.